The following is an entry in ClinVar:

ClinVar aggregate classification (germline): Uncertain significance. Review status: criteria provided, multiple submitters, no conflicts (2 of 4 stars). 3 submissions from 3 submitters: Uncertain significance (3). Last evaluated 2024-07-25.

Conditions:
Inborn genetic diseases. Identifiers: MedGen C0950123, MeSH D030342.
Hydrocephalus, nonsyndromic, autosomal recessive 2. Also called: Hydrocephalus, congenital, 2, with or without brain or eye anomalies. Identifiers: Orphanet 2185, MedGen C3554691, MONDO:0014085, OMIM 615219.

Allele frequency attached by ClinVar (database versions not stated): gnomAD exomes 0.00003 and 0.00011; gnomAD 0.00004; TOPMed 0.00004; ExAC 0.00005.
gnomAD v4.1: 47 of 1,611,742 alleles (0.0029%); highest among the groups gnomAD compares: Admixed American, 0.062%; no homozygotes.

Submissions (3):

Ambry Genetics
Classification: Uncertain significance for Inborn genetic diseases. Last evaluated: 2024-07-25. Review status: criteria provided, single submitter. Criteria: Ambry Variant Classification Scheme 2023. Collection method: clinical testing. Allele origin: germline.

Labcorp Genetics (formerly Invitae), Labcorp
Classification: Uncertain significance. Last evaluated: 2023-10-14. Review status: criteria provided, single submitter. Criteria: Invitae Variant Classification Sherloc (09022015). Collection method: clinical testing. Allele origin: germline.
Comment: This sequence change replaces aspartic acid, which is acidic and polar, with glycine, which is neutral and non-polar, at codon 869 of the MPDZ protein (p.Asp869Gly). This variant is present in population databases (rs765068620, gnomAD 0.08%). This variant has not been reported in the literature in individuals affected with MPDZ-related conditions. ClinVar contains an entry for this variant (Variation ID: 1432143). An algorithm developed to predict the effect of missense changes on protein structure and function (PolyPhen-2) suggests that this variant¬†is likely to be tolerated. In summary, the available evidence is currently insufficient to determine the role of this variant in disease. Therefore, it has been classified as a Variant of Uncertain Significance.

Baylor Genetics
Classification: Uncertain significance for Hydrocephalus, nonsyndromic, autosomal recessive 2. Last evaluated: 2023-04-04. Review status: criteria provided, single submitter. Criteria: ACMG Guidelines, 2015. Collection method: clinical testing. Allele origin: unknown.

NM_001378778.1(MPDZ):c.2606A>G (p.Asp869Gly)

Gene: MPDZ (multiple PDZ domain crumbs cell polarity complex component; minus strand). Cytogenetic location: 9p23.
Variant type: single nucleotide variant.
Coding change: c.2606A>G on transcript NM_001378778.1 (MANE Select); coding-DNA position 2606, A replaced by G.
Protein change: p.Asp869Gly; replaces aspartic acid 869 with glycine.
Molecular consequence: missense variant.
Genome position (GRCh38, 1-based): chr9:13,183,461, T>C on the plus strand (A>G on the coding strand, the complement: MPDZ is on the minus strand). VCF-style: chr9-13183461-T-C. GRCh37 (hg19) VCF-style: chr9-13183460-T-C.
Other names: c.2606A>G, p.Asp869Gly (NM_001261406.2, NM_001261407.2, NM_001330637.2 and 14 more transcripts); c.2606A>G (NM_003829.4, NM_003829.3); short protein forms D869G.
Identifiers: ClinVar variation 1432143 (VCV001432143.7), dbSNP rs765068620, ClinGen allele CA4987409.